The following is an entry in ClinVar:

NM_004360.5(CDH1):c.1370C>T (p.Thr457Met)

Gene: CDH1 (cadherin 1; plus strand). Cytogenetic location: 16q22.1.
Variant type: single nucleotide variant.
Coding change: c.1370C>T on transcript NM_004360.5 (MANE Select); coding-DNA position 1370, C replaced by T.
Protein change: p.Thr457Met; replaces threonine 457 with methionine.
Molecular consequence: missense variant. On other transcripts: 5 prime UTR variant (2).
Genome position (GRCh38, 1-based): chr16:68,815,564, C>T. VCF-style: chr16-68815564-C-T. GRCh37 (hg19) VCF-style: chr16-68849467-C-T.
Other names: c.1187C>T, p.Thr396Met (NM_001317184.2); c.-179C>T (NM_001317185.2); c.-450C>T (NM_001317186.2); c.1370C>T (LRG_301t1); short protein forms T457M, T396M.
Identifiers: ClinVar variation 133845 (VCV000133845.52), dbSNP rs587778170, ClinGen allele CA157948.

ClinVar aggregate classification (germline): Conflicting classifications of pathogenicity. Review status: criteria provided, conflicting classifications (1 of 4 stars). 12 submissions from 12 submitters: Uncertain significance (7); Likely benign (3). 2 of the submissions do not count toward it. Last evaluated 2026-08-04.

Conditions:
Ovarian neoplasm. Also called: Ovarian tumor; Neoplasm of ovary; Ovarian Neoplasms. Identifiers: MedGen C0919267, MeSH D010051, MONDO:0021068, HP:0100615.
Prostate cancer. Also called: Malignant tumor of prostate. Identifiers: Orphanet 1331, MedGen C0376358, MONDO:0008315, HP:0012125.
Familial cancer of breast. Also called: hereditary breast carcinoma; BREAST CANCER, FAMILIAL; Hereditary breast cancer. Identifiers: Orphanet 227535, MedGen C0346153, MONDO:0016419, OMIM 114480. Disease mechanism: loss of function.
Hereditary diffuse gastric adenocarcinoma (HDGC). Also called: DIFFUSE GASTRIC AND LOBULAR BREAST CANCER SYNDROME. Identifiers: Orphanet 26106, MedGen C1708349, MONDO:0007648, OMIM 137215.
Blepharocheilodontic syndrome 1 (BCDS1). Identifiers: Orphanet 1997, MedGen C4551988, MONDO:0054740, OMIM 119580.
Endometrial carcinoma. Also called: Endometrial carcinoma, somatic. Identifiers: MedGen C0476089, MONDO:0002447, OMIM 608089, HP:0012114.
Hereditary cancer-predisposing syndrome. Also called: Neoplastic Syndromes, Hereditary; Tumor predisposition; Hereditary neoplastic syndrome; Hereditary Cancer Syndrome. Identifiers: Orphanet 140162, MedGen C0027672, MeSH D009386, MONDO:0015356.

Allele frequency attached by ClinVar (database versions not stated): gnomAD exomes 0.00002 and 0.00005; gnomAD 0.00001; ExAC 0.00007; TOPMed below 0.00001.
gnomAD v4.1: 30 of 1,614,058 alleles (0.0019%); highest among the groups gnomAD compares: Middle Eastern, 0.016%; no homozygotes.

Submissions (12):

Myriad Genetics, Inc.
Classification: Likely benign for Hereditary diffuse gastric adenocarcinoma. Last evaluated: 2026-08-04. Review status: criteria provided, single submitter. Criteria: Myriad Autosomal Dominant, Autosomal Recessive and X-Linked Classification Criteria (2023). Collection method: clinical testing. Allele origin: unknown.
Comment: This variant is considered likely benign. Homozygosity has been confirmed in one or more individuals. As homozygosity for pathogenic variants in this gene is generally assumed to result in embryonic lethality, this variant is unlikely to be pathogenic.

Quest Diagnostics Nichols Institute San Juan Capistrano
Classification: Likely benign. Last evaluated: 2025-09-10. Review status: criteria provided, single submitter. Criteria: Quest Diagnostics criteria. Collection method: clinical testing. Allele origin: unknown.

Ambry Genetics
Classification: Likely benign for Hereditary cancer-predisposing syndrome. Last evaluated: 2025-03-28. Review status: criteria provided, single submitter. Criteria: Ambry Variant Classification Scheme 2023. Collection method: clinical testing. Allele origin: germline.

Women's Health and Genetics/Laboratory Corporation of America, LabCorp
Classification: Uncertain significance. Last evaluated: 2025-02-13. Review status: criteria provided, single submitter. Criteria: LabCorp Variant Classification Summary - May 2015. Collection method: clinical testing. Allele origin: germline.
Comment: Variant summary: CDH1 c.1370C>T (p.Thr457Met) results in a non-conservative amino acid change located in the cadherin-like domain (IPR002126) of the encoded protein sequence. Three of five in-silico tools predict a benign effect of the variant on protein function. The variant allele was found at a frequency of 1.9e-05 in 1614058 control chromosomes (gnomAD). This frequency is not significantly higher than estimated for a pathogenic variant in CDH1 causing hereditary diffuse gastric cancer (1.9e-05 vs 2.8e-05), allowing no conclusion about variant significance. c.1370C>T has been reported in the literature without strong evidence for or against pathogenicity (example: Bodian_2014, Garcia-Pelaez_2022). These report(s) do not provide unequivocal conclusions about association of the variant with hereditary diffuse gastric cancer. To our knowledge, no experimental evidence demonstrating an impact on protein function has been reported. The following publications have been ascertained in the context of this evaluation (PMID: 24728327, 36436516). ClinVar contains an entry for this variant (Variation ID: 133845). Based on the evidence outlined above, the variant was classified as uncertain significance.

Labcorp Genetics (formerly Invitae), Labcorp
Classification: Uncertain significance for Hereditary diffuse gastric adenocarcinoma. Last evaluated: 2024-12-15. Review status: criteria provided, single submitter. Criteria: Invitae Variant Classification Sherloc (09022015). Collection method: clinical testing. Allele origin: germline.
Comment: This sequence change replaces threonine, which is neutral and polar, with methionine, which is neutral and non-polar, at codon 457 of the CDH1 protein (p.Thr457Met). This variant is present in population databases (rs587778170, gnomAD 0.03%). This missense change has been observed in individual(s) with hereditary breast and ovarian cancer (PMID: 36436516). ClinVar contains an entry for this variant (Variation ID: 133845). An algorithm developed to predict the effect of missense changes on protein structure and function (PolyPhen-2) suggests that this variant is likely to be disruptive. In summary, the available evidence is currently insufficient to determine the role of this variant in disease. Therefore, it has been classified as a Variant of Uncertain Significance.

Color Diagnostics, LLC DBA Color Health
Classification: Uncertain significance for Hereditary cancer-predisposing syndrome. Last evaluated: 2023-11-08. Review status: criteria provided, single submitter. Criteria: ACMG Guidelines, 2015. Collection method: clinical testing. Allele origin: germline.
Comment: This missense variant replaces threonine with methionine at codon 457 of the CDH1 protein. To our knowledge, functional studies have not been reported for this variant. This variant has not been reported in individuals affected with CDH1-related disorders in the literature. This variant has been identified in 12/251482 chromosomes in the general population by the Genome Aggregation Database (gnomAD). The available evidence is insufficient to determine the role of this variant in disease conclusively. Therefore, this variant is classified as a Variant of Uncertain Significance.

GeneDx
Classification: Uncertain significance. Last evaluated: 2023-09-11. Review status: criteria provided, single submitter. Criteria: GeneDx Variant Classification Process June 2021. Collection method: clinical testing. Allele origin: germline. Affected: yes.
Comment: In silico analysis supports that this missense variant does not alter protein structure/function; Observed in individual(s) with family history of breast cancer (Garcia-Pelaez et al., 2023); This variant is associated with the following publications: (PMID: 24728327, 15235021, 22850631, 36436516, 29641532)

CeGaT Center for Human Genetics Tuebingen
Classification: Uncertain significance. Last evaluated: 2023-08-01. Review status: criteria provided, single submitter. Criteria: CeGaT Center For Human Genetics Tuebingen Variant Classification Criteria Version 2. Collection method: clinical testing. Allele origin: germline. Affected: yes. Observed: 1 variant allele.
Comment: CDH1: PM2:Supporting, BP4

European Reference Network on Genetic Tumour Risk Syndromes (ERN-GENTURIS), i3s - Instituto de Investigação e Inovação em Saúde, University of Porto
Classification: Uncertain significance for Hereditary diffuse gastric adenocarcinoma. Last evaluated: 2022-08-01. Review status: criteria provided, single submitter. Criteria: Lee et al. (Hum Mutat. 2018). Collection method: clinical testing. Allele origin: germline. Inheritance: Autosomal dominant inheritance. Affected: no. Study: ERN GENTURIS.
Comment: Not applicable criteria (PMID: 30311375)

Fulgent Genetics
Classification: Uncertain significance for Familial cancer of breast; Blepharocheilodontic syndrome 1; Hereditary diffuse gastric adenocarcinoma; Ovarian cancer; Familial prostate cancer; Endometrial carcinoma. Last evaluated: 2018-10-31. Review status: criteria provided, single submitter. Criteria: ACMG Guidelines, 2015. Collection method: clinical testing. Allele origin: unknown.

Counsyl
Classification: Uncertain significance for Hereditary diffuse gastric adenocarcinoma. Last evaluated: 2017-10-03. Review status: no assertion criteria provided. Collection method: clinical testing. Allele origin: unknown. Not counted in ClinVar's aggregate classification.

ITMI
No classification provided. Condition: AllHighlyPenetrant. Last evaluated: 2013-09-19. Review status: no classification provided. Collection method: reference population. Allele origin: germline. Not counted in ClinVar's aggregate classification.
Comment: Please see associated publication for description of ethnicities

Literature cited by the submitters: PubMed 36436516 (cited by 4 submitters); PubMed 29641532 (cited by Quest Diagnostics Nichols Institute San Juan Capistrano and Ambry Genetics); PubMed 24728327 (cited by 4 submitters); PubMed 33471991 (cited by Quest Diagnostics Nichols Institute San Juan Capistrano).